The following is an entry in ClinVar:

ClinVar aggregate classification (germline): Pathogenic/Likely pathogenic. Review status: criteria provided, multiple submitters, no conflicts (2 of 4 stars). 2 submissions from 2 submitters: Pathogenic (1); Likely pathogenic (1). Last evaluated 2024-03-01.

Conditions:
Dalmatian hypouricemia (RHUC1). Identifiers: MedGen C0473219, MONDO:0020728, OMIM 220150.

Submissions (2):

Fulgent Genetics
Classification: Likely pathogenic for Dalmatian hypouricemia. Last evaluated: 2024-03-01. Review status: criteria provided, single submitter. Criteria: ACMG Guidelines, 2015. Collection method: clinical testing. Allele origin: germline.

Labcorp Genetics (formerly Invitae), Labcorp
Classification: Pathogenic. Last evaluated: 2022-09-09. Review status: criteria provided, single submitter. Criteria: Invitae Variant Classification Sherloc (09022015). Collection method: clinical testing. Allele origin: germline.
Comment: This sequence change results in a frameshift in the SLC22A12 gene (p.Arg477Serfs*121). While this is not anticipated to result in nonsense mediated decay, it is expected to disrupt the last 77 amino acid(s) of the SLC22A12 protein and extend the protein by 43 additional amino acid residues. This variant is present in population databases (rs778022810, gnomAD 0.08%). This variant has not been reported in the literature in individuals affected with SLC22A12-related conditions. This variant disrupts a region of the SLC22A12 protein in which other variant(s) (p.Arg477His) have been determined to be pathogenic (PMID: 15912381, 23386035, 31591475). This suggests that this is a clinically significant region of the protein, and that variants that disrupt it are likely to be disease-causing. For these reasons, this variant has been classified as Pathogenic.

Literature cited by the submitters: PubMed 15912381 (cited by Labcorp Genetics (formerly Invitae), Labcorp); PubMed 23386035 (cited by Labcorp Genetics (formerly Invitae), Labcorp); PubMed 31591475 (cited by Labcorp Genetics (formerly Invitae), Labcorp).

NM_144585.4(SLC22A12):c.1429_1451del (p.Arg477fs)

Gene: SLC22A12 (solute carrier family 22 member 12; plus strand). Cytogenetic location: 11q13.1.
Variant type: Deletion.
Coding change: c.1429_1451del on transcript NM_144585.4 (MANE Select); coding-DNA positions 1429 to 1451, 23 bases deleted (CGTGGAGGAGCCATCCTGGGGCC).
Protein change: p.Arg477fs; shifts the reading frame from arginine 477.
Molecular consequence: frameshift variant.
Genome position (GRCh38, 1-based): chr11:64,600,769-64,600,791, CGTGGAGGAGCCATCCTGGGGCC deleted; deleting any 23 consecutive bases within chr11:64,600,766-64,600,791 gives the same sequence; the c. name uses the placement nearest the transcript's 3' end. VCF-style (leftmost placement, unchanged base first): chr11-64600765-AGCCCGTGGAGGAGCCATCCTGGG-A. GRCh37 (hg19) VCF-style: chr11-64368237-AGCCCGTGGAGGAGCCATCCTGGG-A.
Other names: c.1327_1349del, p.Arg443fs (NM_001276326.2); c.1105_1127del, p.Arg369fs (NM_001276327.2); c.766_788del, p.Arg256fs (NM_153378.3); short protein forms R369fs, R477fs, R256fs, R443fs.
Identifiers: ClinVar variation 2175414 (VCV002175414.5), dbSNP rs778022810, ClinGen allele CA6077452.